The following is an entry in ClinVar:

NM_013372.7(GREM1):c.137A>C (p.Gln46Pro)

Gene: GREM1 (gremlin 1, DAN family BMP antagonist; plus strand). Cytogenetic location: 15q13.3.
Variant type: single nucleotide variant.
Coding change: c.137A>C on transcript NM_013372.7 (MANE Select); coding-DNA position 137, A replaced by C.
Protein change: p.Gln46Pro; replaces glutamine 46 with proline.
Molecular consequence: missense variant. On other transcripts: intron variant (2).
Genome position (GRCh38, 1-based): chr15:32,730,827, A>C. VCF-style: chr15-32730827-A-C. GRCh37 (hg19) VCF-style: chr15-33023028-A-C.
Other names: c.137A>C, p.Gln46Pro (NM_001368719.1); c.114+23A>C (NM_001191323.2); c.28-101A>C (NM_001191322.2); short protein forms Q46P.
Identifiers: ClinVar variation 2624816 (VCV002624816.2), dbSNP rs762082199, ClinGen allele CA391557265.

ClinVar aggregate classification (germline): Uncertain significance (1 of 4 stars; one submission).

Conditions:
Hereditary cancer-predisposing syndrome. Also called: Tumor predisposition; Hereditary Cancer Syndrome; Hereditary neoplastic syndrome; Neoplastic Syndromes, Hereditary. Identifiers: Orphanet 140162, MedGen C0027672, MeSH D009386, MONDO:0015356.

gnomAD v4.1: 1 of 1,613,902 alleles (0.000062%); highest among the groups gnomAD compares: Non-Finnish European, 0.000085%; no homozygotes.

Submission:

Ambry Genetics
Classification: Uncertain significance for Hereditary cancer-predisposing syndrome. Last evaluated: 2023-07-17. Review status: criteria provided, single submitter. Criteria: Ambry Variant Classification Scheme 2023. Collection method: clinical testing. Allele origin: germline.
Comment: The p.Q46P variant (also known as c.137A>C), located in coding exon 1 of the GREM1 gene, results from an A to C substitution at nucleotide position 137. The glutamine at codon 46 is replaced by proline, an amino acid with similar properties. This amino acid position is conserved. In addition, this alteration is predicted to be tolerated by in silico analysis. Since supporting evidence is limited at this time, the clinical significance of this alteration remains unclear.